The following is an entry in ClinVar:

ClinVar aggregate classification (germline): Uncertain significance (1 of 4 stars; one submission).

Conditions:
Primary ciliary dyskinesia. Also called: Ciliary dyskinesia. Identifiers: Orphanet 244, MedGen C0008780, MONDO:0016575, HP:0012265.

Submission:

Labcorp Genetics (formerly Invitae), Labcorp
Classification: Uncertain significance for Primary ciliary dyskinesia. Last evaluated: 2018-11-10. Review status: criteria provided, single submitter. Criteria: Invitae Variant Classification Sherloc (09022015). Collection method: clinical testing. Allele origin: germline.
Comment: This variant has not been reported in the literature in individuals with DNAAF3-related disease. This variant is not present in population databases (ExAC no frequency). This sequence change replaces glutamic acid with arginine at codon 558 of the DNAAF3 protein (p.Glu558Arg). The glutamic acid residue is weakly conserved and there is a small physicochemical difference between glutamic acid and arginine. In summary, the available evidence is currently insufficient to determine the role of this variant in disease. Therefore, it has been classified as a Variant of Uncertain Significance. Algorithms developed to predict the effect of missense changes on protein structure and function are either unavailable or do not agree on the potential impact of this missense change (SIFT: "Tolerated"; PolyPhen-2: "Possibly Damaging"; Align-GVGD: "Class C0").

NM_001256715.2(DNAAF3):c.1471_1472delinsAG (p.Glu491Arg)

Gene: DNAAF3 (dynein axonemal assembly factor 3; minus strand). Cytogenetic location: 19q13.42.
Variant type: Indel.
Coding change: c.1471_1472delinsAG on transcript NM_001256715.2 (MANE Select); coding-DNA positions 1471 to 1472, GA replaced by AG.
Protein change: p.Glu491Arg; replaces glutamic acid 491 with arginine.
Molecular consequence: missense variant.
Genome position (GRCh38, 1-based): chr19:55,159,216-55,159,217, TC replaced by CT on the plus strand (GA replaced by AG on the coding strand, the reverse complement: DNAAF3 is on the minus strand). VCF-style: chr19-55159216-TC-CT. GRCh37 (hg19) VCF-style: chr19-55670584-TC-CT.
Other names: c.1672_1673delGAinsAG (NM_001256714.1); c.1672_1673delinsAG, p.Glu558Arg (NM_001256714.1); c.1309_1310delinsAG, p.Glu437Arg (NM_001256716.2); c.1612_1613delinsAG, p.Glu538Arg (NM_178837.4); short protein forms E538R, E437R, E491R, E558R.
Identifiers: ClinVar variation 646805 (VCV000646805.7), dbSNP rs1599916117, ClinGen allele CA915953067.